The following is an entry in ClinVar:

NM_001009944.3(PKD1):c.9250T>C (p.Cys3084Arg)

Gene: PKD1 (polycystin 1, transient receptor potential channel interacting; minus strand). Cytogenetic location: 16p13.3.
Variant type: single nucleotide variant.
Coding change: c.9250T>C on transcript NM_001009944.3 (MANE Select); coding-DNA position 9250, T replaced by C.
Protein change: p.Cys3084Arg; replaces cysteine 3084 with arginine.
Molecular consequence: missense variant.
Genome position (GRCh38, 1-based): chr16:2,102,208, A>G on the plus strand (T>C on the coding strand, the complement: PKD1 is on the minus strand). VCF-style: chr16-2102208-A-G. GRCh37 (hg19) VCF-style: chr16-2152209-A-G.
Other names: c.9250T>C, p.Cys3084Arg (NM_000296.4); short protein forms C3084R.
Identifiers: ClinVar variation 3376926 (VCV003376926.1).

ClinVar aggregate classification (germline): Uncertain significance (1 of 4 stars; one submission).

Conditions:
Polycystic kidney disease, adult type (PKD1). Also called: POLYCYSTIC KIDNEY DISEASE, ADULT, TYPE I; Polycystic Kidney Disease 1, Autosomal Dominant; Polycystic kidney disease 1; Polycystic kidney disease 1, severe; Polycystic Kidney, Autosomal Dominant; POLYCYSTIC KIDNEY DISEASE 1 WITH OR WITHOUT POLYCYSTIC LIVER DISEASE. Identifiers: MedGen C3149841, MONDO:0008263, OMIM 173900.

Submission:

Victorian Clinical Genetics Services, Murdoch Childrens Research Institute
Classification: Uncertain significance for Polycystic kidney disease, adult type. Last evaluated: 2024-10-08. Review status: criteria provided, single submitter. Criteria: ACMG Guidelines, 2015. Collection method: clinical testing. Allele origin: germline. Inheritance: Autosomal dominant inheritance. Affected: yes.
Comment: Based on the classification scheme VCGS_Germline_v1.3.4, this variant is classified as VUS-3A. Following criteria are met: 0102 - Loss of function is a known mechanism of disease in this gene and is associated with polycystic kidney disease 1 (MIM#173900). (I) 0107 - This gene is associated with autosomal dominant disease. Polycystic kidney disease 1 (MIM#173900) is predominantly caused by monoallelic variants, with rare reports of biallelic variants causing disease (OMIM). (I) 0200 - Variant is predicted to result in a missense amino acid change from cysteine to arginine. (I) 0251 - This variant is heterozygous. (I) 0301 - Variant is absent from gnomAD (both v2 and v3). (SP) 0502 - Missense variant with conflicting in silico predictions and uninformative conservation. (I) 0604 - Variant is not located in an established domain, motif, hotspot or informative constraint region. (I) 0710 - Another missense variant comparable to the one identified in this case has inconclusive previous evidence for pathogenicity. p.(Cys3084Tyr) has been classified as a VUS in ClinVar. (I) 0807 - This variant has no previous evidence of pathogenicity. (I) 0905 - No published segregation evidence has been identified for this variant. (I) 1007 - No published functional evidence has been identified for this variant. (I) 1208 - Inheritance information for this variant is not currently available in this individual. (I) Legend: (SP) - Supporting pathogenic, (I) - Information, (SB) - Supporting benign